The following is an entry in ClinVar:

NM_018451.5(CPAP):c.3922G>A (p.Val1308Ile)

Genes: RNF17 (ring finger protein 17; plus strand), CPAP (centrosome assembly and centriole elongation protein; minus strand). Cytogenetic location: 13q12.12.
Variant type: single nucleotide variant.
Coding change: c.3922G>A on transcript NM_018451.5 (MANE Select); coding-DNA position 3922, G replaced by A.
Protein change: p.Val1308Ile; replaces valine 1308 with isoleucine.
Molecular consequence: missense variant. On other transcripts: non-coding transcript variant (2).
Genome position (GRCh38, 1-based): chr13:24,883,272, C>T on the plus strand (G>A on the coding strand, the complement: CPAP is on the minus strand). VCF-style: chr13-24883272-C-T. GRCh37 (hg19) VCF-style: chr13-25457410-C-T.
Other names: short protein forms V1308I.
Identifiers: ClinVar variation 194776 (VCV000194776.17), dbSNP rs140564566, ClinGen allele CA240944.

ClinVar aggregate classification (germline): Conflicting classifications of pathogenicity. Review status: criteria provided, conflicting classifications (1 of 4 stars). 7 submissions from 6 submitters: Uncertain significance (5); Likely benign (2). Last evaluated 2024-12-02.

Conditions:
Inborn genetic diseases. Identifiers: MedGen C0950123, MeSH D030342.
Seckel syndrome 4 (SCKL4). Identifiers: Orphanet 808, MedGen C3888212, MONDO:0013358, OMIM 613676.
Microcephaly 6, primary, autosomal recessive. Identifiers: Orphanet 2512, MedGen C1842109, MONDO:0012029, OMIM 608393.

Allele frequency attached by ClinVar (database versions not stated): 1000 Genomes Project 30x 0.00047; 1000 Genomes Project 0.00060; gnomAD 0.00067 and 0.00071; TOPMed 0.00067; gnomAD exomes 0.00068 and 0.00115; ExAC 0.00074; ESP Exome Variant Server 0.00131.
gnomAD v4.1: 1,755 of 1,613,904 alleles (0.11%); highest among the groups gnomAD compares: Non-Finnish European, 0.14%; 2 homozygotes.

Submissions (7):

Labcorp Genetics (formerly Invitae), Labcorp
Classification: Uncertain significance. Last evaluated: 2024-12-02. Review status: criteria provided, single submitter. Criteria: Invitae Variant Classification Sherloc (09022015). Collection method: clinical testing. Allele origin: germline.
Comment: This sequence change replaces valine, which is neutral and non-polar, with isoleucine, which is neutral and non-polar, at codon 1308 of the CENPJ protein (p.Val1308Ile). This variant is present in population databases (rs140564566, gnomAD 0.1%), including at least one homozygous and/or hemizygous individual. This variant has not been reported in the literature in individuals affected with CENPJ-related conditions. ClinVar contains an entry for this variant (Variation ID: 194776). Invitae Evidence Modeling of protein sequence and biophysical properties (such as structural, functional, and spatial information, amino acid conservation, physicochemical variation, residue mobility, and thermodynamic stability) has been performed for this missense variant. However, the output from this modeling did not meet the statistical confidence thresholds required to predict the impact of this variant on CENPJ protein function. In summary, the available evidence is currently insufficient to determine the role of this variant in disease. Therefore, it has been classified as a Variant of Uncertain Significance.

Ambry Genetics
Classification: Likely benign for Inborn genetic diseases. Last evaluated: 2022-01-12. Review status: criteria provided, single submitter. Criteria: Ambry Variant Classification Scheme 2023. Collection method: clinical testing. Allele origin: germline.

GeneDx
Classification: Likely benign. Last evaluated: 2018-11-14. Review status: criteria provided, single submitter. Criteria: GeneDx Variant Classification Process June 2021. Collection method: clinical testing. Allele origin: germline. Affected: yes.

Athena Diagnostics
Classification: Uncertain significance. Last evaluated: 2018-09-30. Review status: criteria provided, single submitter. Criteria: Athena Diagnostics Criteria. Collection method: clinical testing. Allele origin: germline.

Illumina Laboratory Services, Illumina
Classification: Uncertain significance for Microcephaly 6, primary, autosomal recessive. Last evaluated: 2018-01-12. Review status: criteria provided, single submitter. Criteria: ICSL Variant Classification Criteria 13 December 2019. Collection method: clinical testing. Allele origin: germline.

Illumina Laboratory Services, Illumina
Classification: Uncertain significance for Seckel syndrome 4. Last evaluated: 2018-01-12. Review status: criteria provided, single submitter. Criteria: ICSL Variant Classification Criteria 13 December 2019. Collection method: clinical testing. Allele origin: germline.

Eurofins Ntd Llc (ga)
Classification: Uncertain significance. Last evaluated: 2017-01-16. Review status: criteria provided, single submitter. Criteria: EGL Classification Definitions 2015. Collection method: clinical testing. Allele origin: germline. Observed: 3 variant alleles, 3 heterozygotes.